The following is an entry in ClinVar:

NM_000260.4(MYO7A):c.1183C>T (p.Arg395Cys)

Gene: MYO7A (myosin VIIA; plus strand). Cytogenetic location: 11q13.5.
Variant type: single nucleotide variant.
Coding change: c.1183C>T on transcript NM_000260.4 (MANE Select); coding-DNA position 1183, C replaced by T.
Protein change: p.Arg395Cys; replaces arginine 395 with cysteine.
Molecular consequence: missense variant.
Genome position (GRCh38, 1-based): chr11:77,160,265, C>T. VCF-style: chr11-77160265-C-T. GRCh37 (hg19) VCF-style: chr11-76871311-C-T.
Other names: c.1183C>T, p.Arg395Cys (NM_001127180.2); c.1150C>T, p.Arg384Cys (NM_001369365.1); short protein forms R395C, R384C.
Identifiers: ClinVar variation 555138 (VCV000555138.21), dbSNP rs782279338, ClinGen allele CA6197402.

ClinVar aggregate classification (germline): Likely pathogenic. Review status: reviewed by expert panel (3 of 4 stars). 8 submissions from 8 submitters: Likely pathogenic (1). 7 of the submissions do not count toward it. Last evaluated 2024-09-24.

Conditions:
Autosomal dominant nonsyndromic hearing loss 11. Identifiers: Orphanet 90635, MedGen C1832475, MONDO:0011032, OMIM 601317.
Autosomal recessive nonsyndromic hearing loss 2. Also called: DEAFNESS, AUTOSOMAL RECESSIVE 2; NEUROSENSORY NONSYNDROMIC RECESSIVE DEAFNESS 2. Identifiers: Orphanet 90636, MedGen C1838701, MONDO:0010807, OMIM 600060.
Usher syndrome type 1 (USH1). Also called: RETINITIS PIGMENTOSA AND CONGENITAL DEAFNESS. Identifiers: Orphanet 231169, Orphanet 886, MedGen C1568247, MONDO:0010168, OMIM 276900.
MYO7A-related disorder. Also called: MYO7A-related disorders.
Usher syndrome type 1B (USH1B). Also called: Usher syndrome type IB. Identifiers: MedGen C1848638, MONDO:0700087.
Nonsyndromic genetic hearing loss. Also called: Nonsyndromic genetic deafness; Non-syndromic genetic deafness; Nonsyndromic hearing loss and deafness. Identifiers: Orphanet 87884, MedGen C5680182, MONDO:0019497.
Hearing loss, autosomal recessive. Also called: Deafness, autosomal recessive; Rare autosomal recessive non-syndromic sensorineural deafness type DFNB; Nonsyndromic Hearing Loss, Recessive; Autosomal recessive nonsyndromic deafness. Identifiers: Orphanet 90635, Orphanet 90636, MedGen C1846647, MONDO:0019588, OMIM 607197.

Allele frequency attached by ClinVar (database versions not stated): ExAC below 0.00001.
gnomAD v4.1: 18 of 1,568,648 alleles (0.0011%); highest among the groups gnomAD compares: South Asian, 0.0047%; no homozygotes.

Submissions (8):

ClinGen Hearing Loss Variant Curation Expert Panel
Classification: Likely pathogenic for Nonsyndromic genetic hearing loss. Last evaluated: 2024-09-24. Review status: reviewed by expert panel. Criteria: Clingen Hl Acmg Specifications Cdh23 Coch Gjb2 Kcnq4 Myo6 Myo7a Slc26a4 Tecta Ush2a V2. Collection method: curation. Allele origin: germline. Inheritance: Autosomal recessive inheritance.
Comment: The c.1183C>T variant in MYO7A is a missense variant predicted to cause substitution of arginine by cysteine at amino acid 395. The highest population minor allele frequency in gnomAD v4.1 is 0.00008472 (2/23608 alleles) in the South Asian population. (PM2_Supporting, BS1, and BA1 are not met). The computational predictor REVEL gives a score of 0.773, which is above the threshold of 0.7, evidence that correlates with impact to MYO7A function (PP3). This variant has been detected in 6 individuals with nonsyndromic genetic hearing loss. Out of 3 of those individuals, 1 was compound heterozygous for the variant and a pathogenic or likely pathogenic variant for Usher syndrome and none of those were confirmed in trans (c.401T>A (p.Ile134Asn), 0 PM3 points, SCV: SCV001232108.5, Invitae). The other 2 were compound heterozygous for the variant and a variant of uncertain significance for nonsyndromic genetic hearing loss, 1 of them was confirmed in trans by family testing (0.25 PM3 points, c.1496T>C (p.Ile499Thr); c.1496T>C(p.Ile499Thr), PMIDs: 34416374, 34979615). 3 individuals were homozygous for the variant (1 PM3 point, PMIDs: 23770805, 27573290, ClinVar SCV: SCV001232108.5, Invitae) (PM3). The variant has been reported to segregate with nonsyndromic genetic hearing loss in 8 affected family members from 3 families (PP1_Strong; PMIDs: 23770805, 27573290, 34979615). In summary, this variant meets the criteria to be classified as likely pathogenic for autosomal recessive nonsyndromic genetic hearing loss based on the ACMG/AMP criteria applied, as specified by the ClinGen Hearing Loss VCEP: PP1_Strong, PM3, PP3. (ClinGen Hearing Loss VCEP specifications version 2; 7/23/2024)

Natera, Inc.
Classification: Likely pathogenic for Usher syndrome type 1B. Last evaluated: 2025-05-30. Review status: criteria provided, single submitter. Criteria: Natera Variant Classification Schema (03/2026). Collection method: clinical testing. Allele origin: germline. Not counted in ClinVar's aggregate classification.
Comment: The c.1183C>T variant in MYO7A is a missense variant predicted to cause substitution of arginine to cysteine at amino acid 395. This variant is rare in the general population with a frequency below the threshold expected for the associated phenotype(s). This variant has been observed in one or more individuals affected with the associated recessive disease, as either homozygous or compound heterozygous with a second variant (PMID: 27573290, 23770805, 39767564). Additionally, this variant has been observed to segregate in affected family members (PMID: 27573290, 23770805, 34979615). A different variant at the same position has been determined to be Pathogenic or Likely Pathogenic. Computational prediction algorithms indicate this variant is likely to affect gene or protein function. Given the available evidence, this variant is classified as Likely Pathogenic.

Blueprint Genetics
Classification: Pathogenic for MYO7A-related disorders. Last evaluated: 2024-09-24. Review status: criteria provided, single submitter. Criteria: ACMG Guidelines, 2015. Collection method: clinical testing. Allele origin: germline. Affected: yes. Observed: 3 variant alleles. Not counted in ClinVar's aggregate classification.

Fulgent Genetics
Classification: Likely pathogenic for Usher syndrome type 1; Autosomal recessive nonsyndromic hearing loss 2; Autosomal dominant nonsyndromic hearing loss 11. Last evaluated: 2024-03-28. Review status: criteria provided, single submitter. Criteria: ACMG Guidelines, 2015. Collection method: clinical testing. Allele origin: germline. Not counted in ClinVar's aggregate classification.

Labcorp Genetics (formerly Invitae), Labcorp
Classification: Pathogenic. Last evaluated: 2024-03-02. Review status: criteria provided, single submitter. Criteria: Invitae Variant Classification Sherloc (09022015). Collection method: clinical testing. Allele origin: germline. Not counted in ClinVar's aggregate classification.
Comment: This sequence change replaces arginine, which is basic and polar, with cysteine, which is neutral and slightly polar, at codon 395 of the MYO7A protein (p.Arg395Cys). The frequency data for this variant in the population databases is considered unreliable, as metrics indicate poor data quality at this position in the gnomAD database. This missense change has been observed in individual(s) with autosomal recessive hearing loss (PMID: 23770805, 27573290). It has also been observed to segregate with disease in related individuals. ClinVar contains an entry for this variant (Variation ID: 555138). Advanced modeling of protein sequence and biophysical properties (such as structural, functional, and spatial information, amino acid conservation, physicochemical variation, residue mobility, and thermodynamic stability) performed at Invitae indicates that this missense variant is expected to disrupt MYO7A protein function with a positive predictive value of 95%. For these reasons, this variant has been classified as Pathogenic.

Clinical Genetics Service, Universitary Hospital 12 de Octubre
Classification: Pathogenic for Autosomal recessive nonsyndromic hearing loss 2. Review status: criteria provided, single submitter. Criteria: ACMG Guidelines, 2015. Collection method: clinical testing. Allele origin: paternal. Affected: yes. Not counted in ClinVar's aggregate classification.

Counsyl
Classification: Uncertain significance for Usher syndrome type 1; Autosomal recessive nonsyndromic hearing loss 2. Last evaluated: 2017-11-17. Review status: no assertion criteria provided. Collection method: clinical testing. Allele origin: unknown. Not counted in ClinVar's aggregate classification.

University of Washington Center for Mendelian Genomics, University of Washington
Classification: Likely pathogenic for non-syndromic autosomal recessive hearing loss. Review status: no assertion criteria provided. Collection method: research. Allele origin: inherited. Affected: yes. Not counted in ClinVar's aggregate classification.

Literature cited by the submitters: PubMed 27573290 (cited by 3 submitters); PubMed 23770805 (cited by 3 submitters); PubMed 39767564 (cited by Natera, Inc.); PubMed 34979615 (cited by Natera, Inc.); PubMed 30303587 (cited by University of Washington Center for Mendelian Genomics, University of Washington).